The following is an entry in ClinVar:

ClinVar aggregate classification (germline): Pathogenic. Review status: criteria provided, multiple submitters, no conflicts (2 of 4 stars). 2 submissions from 2 submitters: Pathogenic (2). Last evaluated 2023-08-10.

Conditions:
Hereditary cancer-predisposing syndrome. Also called: Neoplastic Syndromes, Hereditary; Tumor predisposition; Hereditary Cancer Syndrome; Hereditary neoplastic syndrome. Identifiers: Orphanet 140162, MedGen C0027672, MeSH D009386, MONDO:0015356.
Lynch syndrome 5 (LYNCH5). Also called: Colorectal cancer, hereditary nonpolyposis, type 5; Hereditary non-polyposis colorectal cancer, type 5. Identifiers: Orphanet 144, MedGen C1833477, MONDO:0013710, OMIM 614350. Disease mechanism: loss of function.

Submissions (2):

Myriad Genetics, Inc.
Classification: Pathogenic for Lynch syndrome 5. Last evaluated: 2023-08-10. Review status: criteria provided, single submitter. Criteria: Myriad Autosomal Dominant, Autosomal Recessive and X-Linked Classification Criteria (2023). Collection method: clinical testing. Allele origin: unknown.
Comment: This variant is considered pathogenic. This variant creates a termination codon and is predicted to result in premature protein truncation.

Ambry Genetics
Classification: Pathogenic for Hereditary cancer-predisposing syndrome. Last evaluated: 2020-12-29. Review status: criteria provided, single submitter. Criteria: Ambry Variant Classification Scheme 2023. Collection method: clinical testing. Allele origin: germline.
Comment: The p.E277* pathogenic mutation (also known as c.829G>T), located in coding exon 4 of the MSH6 gene, results from a G to T substitution at nucleotide position 829. This changes the amino acid from a glutamic acid to a stop codon within coding exon 4. This alteration is expected to result in loss of function by premature protein truncation or nonsense-mediated mRNA decay. As such, this alteration is interpreted as a disease-causing mutation.

NM_000179.3(MSH6):c.829G>T (p.Glu277Ter)

Gene: MSH6 (mutS homolog 6; plus strand). Cytogenetic location: 2p16.3.
Variant type: single nucleotide variant.
Coding change: c.829G>T on transcript NM_000179.3 (MANE Select); coding-DNA position 829, G replaced by T.
Protein change: p.Glu277Ter; replaces glutamic acid 277 with a stop codon.
Molecular consequence: nonsense. On other transcripts: 5 prime UTR variant (2).
Genome position (GRCh38, 1-based): chr2:47,798,812, G>T. VCF-style: chr2-47798812-G-T. GRCh37 (hg19) VCF-style: chr2-48025951-G-T.
Other names: c.439G>T, p.Glu147Ter (NM_001281492.2); c.-78G>T (NM_001281493.2, NM_001281494.2, NM_001406811.1 and 6 more transcripts); c.925G>T, p.Glu309Ter (NM_001406795.1, NM_001406802.1); c.829G>T, p.Glu277Ter (NM_001406796.1, NM_001406798.1, NM_001406800.1 and 4 more transcripts); c.532G>T, p.Glu178Ter (NM_001406797.1, NM_001406801.1, NM_001406805.1 and 10 more transcripts); c.304G>T, p.Glu102Ter (NM_001406799.1, NM_001406806.1, NM_001406807.1); c.751G>T, p.Glu251Ter (NM_001406804.1); c.835G>T, p.Glu279Ter (NM_001406813.1); and 1 more; short protein forms E178*, E277*, E309*, E147*, E221*, E251*, E279*, E102*.
Identifiers: ClinVar variation 1762807 (VCV001762807.3), dbSNP rs2104300003, ClinGen allele CA346740460.